The following is an entry in ClinVar:

NM_000484.4(APP):c.603G>A (p.Ala201=)

Gene: APP (amyloid beta precursor protein; minus strand). Cytogenetic location: 21q21.3.
Variant type: single nucleotide variant.
Coding change: c.603G>A on transcript NM_000484.4 (MANE Select); coding-DNA position 603, G replaced by A.
Protein change: p.Ala201=; no amino-acid change (alanine 201 retained).
Molecular consequence: synonymous variant.
Genome position (GRCh38, 1-based): chr21:26,051,059, C>T on the plus strand (G>A on the coding strand, the complement: APP is on the minus strand). VCF-style: chr21-26051059-C-T. GRCh37 (hg19) VCF-style: chr21-27423375-C-T.
Other names: c.588G>A, p.Ala196= (NM_001136016.3); c.435G>A, p.Ala145= (NM_001136129.3, NM_001136130.3); c.498G>A, p.Ala166= (NM_001136131.3); c.603G>A, p.Ala201= (NM_001204301.2, NM_001204302.2, NM_001204303.2 and 3 more transcripts).
Identifiers: ClinVar variation 3354095 (VCV003354095.1).

ClinVar aggregate classification (germline): Likely benign (0 of 4 stars; one submission).

Conditions:
APP-related disorder. Also called: APP-related condition.

gnomAD v4.1: 14 of 1,614,068 alleles (0.00087%); highest among the groups gnomAD compares: Middle Eastern, 0.016%; no homozygotes.

Submission:

PreventionGenetics, part of Exact Sciences
Classification: Likely benign for APP-related condition. Last evaluated: 2024-07-18. Review status: no assertion criteria provided. Collection method: clinical testing. Allele origin: germline.
Comment: This variant is classified as likely benign based on ACMG/AMP sequence variant interpretation guidelines (Richards et al. 2015 PMID: 25741868, with internal and published modifications).